The following is an entry in ClinVar:

NM_153682.3(PIGP):c.78C>A (p.Gly26=)

Gene: PIGP (phosphatidylinositol glycan anchor biosynthesis class P; minus strand). Cytogenetic location: 21q22.13.
Variant type: single nucleotide variant.
Coding change: c.78C>A on transcript NM_153682.3 (MANE Select); coding-DNA position 78, C replaced by A.
Protein change: p.Gly26=; no amino-acid change (glycine 26 retained).
Molecular consequence: synonymous variant. On other transcripts: 5 prime UTR variant (1).
Genome position (GRCh38, 1-based): chr21:37,072,438, G>T on the plus strand (C>A on the coding strand, the complement: PIGP is on the minus strand). VCF-style: chr21-37072438-G-T. GRCh37 (hg19) VCF-style: chr21-38444738-G-T.
Other names: c.78C>A, p.Gly26= (NM_001320480.2); c.-167C>A (NM_016430.4); c.150C>A, p.Gly50= (NM_153681.2); c.78C>A (NM_153682.2).
Identifiers: ClinVar variation 1598616 (VCV001598616.34), dbSNP rs143586399, ClinGen allele CA10021157.

ClinVar aggregate classification (germline): Benign/Likely benign. Review status: criteria provided, multiple submitters, no conflicts (2 of 4 stars). 4 submissions from 4 submitters: Benign (1); Likely benign (2). 1 of the submissions does not count toward it. Last evaluated 2026-05-01.

Conditions:
PIGP-related disorder. Also called: PIGP-related condition.

Allele frequency attached by ClinVar (database versions not stated): gnomAD 0.00004 and 0.00014; TOPMed 0.00012; ESP Exome Variant Server 0.00015; gnomAD exomes 0.00029 and 0.00044; 1000 Genomes Project 30x 0.00031; 1000 Genomes Project 0.00040; ExAC 0.00052.
gnomAD v4.1: 461 of 1,614,224 alleles (0.029%); highest among the groups gnomAD compares: South Asian, 0.36%; 3 homozygotes.

Submissions (4):

CeGaT Center for Human Genetics Tuebingen
Classification: Likely benign. Last evaluated: 2026-05-01. Review status: criteria provided, single submitter. Criteria: CeGaT Center For Human Genetics Tuebingen Variant Classification Criteria Version 2. Collection method: clinical testing. Allele origin: germline. Affected: yes. Observed: 3 variant alleles.
Comment: PIGP: BP4, BP7

Labcorp Genetics (formerly Invitae), Labcorp
Classification: Benign. Last evaluated: 2025-10-22. Review status: criteria provided, single submitter. Criteria: Invitae Variant Classification Sherloc (09022015). Collection method: clinical testing. Allele origin: germline.

Blueprint Genetics
Classification: Likely benign. Last evaluated: 2024-07-04. Review status: criteria provided, single submitter. Criteria: ACMG Guidelines, 2015. Collection method: clinical testing. Allele origin: germline.

PreventionGenetics, part of Exact Sciences
Classification: Likely benign for PIGP-related condition. Last evaluated: 2019-04-03. Review status: no assertion criteria provided. Collection method: clinical testing. Allele origin: germline. Not counted in ClinVar's aggregate classification.
Comment: This variant is classified as likely benign based on ACMG/AMP sequence variant interpretation guidelines (Richards et al. 2015 PMID: 25741868, with internal and published modifications).